The following is an entry in ClinVar:

NM_003024.3(ITSN1):c.488C>T (p.Pro163Leu)

Gene: ITSN1 (intersectin 1; plus strand). Cytogenetic location: 21q22.11.
Variant type: single nucleotide variant.
Coding change: c.488C>T on transcript NM_003024.3 (MANE Select); coding-DNA position 488, C replaced by T.
Protein change: p.Pro163Leu; replaces proline 163 with leucine.
Molecular consequence: missense variant.
Genome position (GRCh38, 1-based): chr21:33,750,284, C>T. VCF-style: chr21-33750284-C-T. GRCh37 (hg19) VCF-style: chr21-35122589-C-T.
Other names: c.488C>T, p.Pro163Leu (NM_001001132.2, NM_001331008.2, NM_001331009.2 and 2 more transcripts); c.377C>T, p.Pro126Leu (NM_001331012.2); short protein forms P126L, P163L.
Identifiers: ClinVar variation 4976214 (VCV004976214.1).

ClinVar aggregate classification (germline): Uncertain significance (1 of 4 stars; one submission).

Submission:

GeneDx
Classification: Uncertain significance. Last evaluated: 2026-02-04. Review status: criteria provided, single submitter. Criteria: GeneDx Variant Classification Process June 2021. Collection method: clinical testing. Allele origin: germline.
Comment: Not observed at significant frequency in large population cohorts (gnomAD); In silico analysis supports that this missense variant has a deleterious effect on protein structure/function; Has not been previously published as pathogenic or benign to our knowledge; This variant is associated with the following publications: (PMID: 34870316)